The following is an entry in ClinVar:

NM_020937.4(FANCM):c.2686A>G (p.Asn896Asp)

Gene: FANCM (FA complementation group M; plus strand). Cytogenetic location: 14q21.2.
Variant type: single nucleotide variant.
Coding change: c.2686A>G on transcript NM_020937.4 (MANE Select); coding-DNA position 2686, A replaced by G.
Protein change: p.Asn896Asp; replaces asparagine 896 with aspartic acid.
Molecular consequence: missense variant.
Genome position (GRCh38, 1-based): chr14:45,175,440, A>G. VCF-style: chr14-45175440-A-G. GRCh37 (hg19) VCF-style: chr14-45644643-A-G.
Other names: c.2608A>G, p.Asn870Asp (NM_001308133.2); short protein forms N896D, N870D.
Identifiers: ClinVar variation 2148264 (VCV002148264.5), dbSNP rs1395963826, ClinGen allele CA389598399.

ClinVar aggregate classification (germline): Uncertain significance. Review status: criteria provided, multiple submitters, no conflicts (2 of 4 stars). 2 submissions from 2 submitters: Uncertain significance (2). Last evaluated 2025-03-15.

Conditions:
Fanconi anemia (FA). Also called: Fanconi's anemia. Identifiers: Orphanet 84, MedGen C0015625, MeSH D005199, MONDO:0019391.
Inborn genetic diseases. Identifiers: MedGen C0950123, MeSH D030342.

Allele frequency attached by ClinVar (database versions not stated): TOPMed below 0.00001; gnomAD 0.00001.
gnomAD v4.1: 2 of 1,594,390 alleles (0.00013%); highest among the groups gnomAD compares: African/African-American, 0.0027%; no homozygotes.

Submissions (2):

Ambry Genetics
Classification: Uncertain significance for Inborn genetic diseases. Last evaluated: 2025-03-15. Review status: criteria provided, single submitter. Criteria: Ambry Variant Classification Scheme 2023. Collection method: clinical testing. Allele origin: germline.
Comment: The p.N896D variant (also known as c.2686A>G), located in coding exon 14 of the FANCM gene, results from an A to G substitution at nucleotide position 2686. The asparagine at codon 896 is replaced by aspartic acid, an amino acid with highly similar properties. This amino acid position is conserved. In addition, this alteration is predicted to be tolerated by in silico analysis. Based on the available evidence, the clinical significance of this variant remains unclear.

Labcorp Genetics (formerly Invitae), Labcorp
Classification: Uncertain significance for Fanconi anemia. Last evaluated: 2025-01-23. Review status: criteria provided, single submitter. Criteria: Invitae Variant Classification Sherloc (09022015). Collection method: clinical testing. Allele origin: germline.
Comment: This sequence change replaces asparagine, which is neutral and polar, with aspartic acid, which is acidic and polar, at codon 896 of the FANCM protein (p.Asn896Asp). This variant is not present in population databases (gnomAD no frequency). This variant has not been reported in the literature in individuals affected with FANCM-related conditions. ClinVar contains an entry for this variant (Variation ID: 2148264). An algorithm developed to predict the effect of missense changes on protein structure and function outputs the following: PolyPhen-2: "Benign". The aspartic acid amino acid residue is found in multiple mammalian species, which suggests that this missense change does not adversely affect protein function. In summary, the available evidence is currently insufficient to determine the role of this variant in disease. Therefore, it has been classified as a Variant of Uncertain Significance.